The following is an entry in ClinVar:

NM_001370259.2(MEN1):c.238G>T (p.Val80Leu)

Gene: MEN1 (menin 1; minus strand). Cytogenetic location: 11q13.1.
Variant type: single nucleotide variant.
Coding change: c.238G>T on transcript NM_001370259.2 (MANE Select); coding-DNA position 238, G replaced by T.
Protein change: p.Val80Leu; replaces valine 80 with leucine.
Molecular consequence: missense variant. On other transcripts: non-coding transcript variant (4).
Genome position (GRCh38, 1-based): chr11:64,809,872, C>A on the plus strand (G>T on the coding strand, the complement: MEN1 is on the minus strand). VCF-style: chr11-64809872-C-A. GRCh37 (hg19) VCF-style: chr11-64577344-C-A.
Other names: c.238G>T, p.Val80Leu (NM_000244.4, NM_001370251.2, NM_001370260.2 and 20 more transcripts); short protein forms V80L.
Identifiers: ClinVar variation 3394965 (VCV003394965.1).

ClinVar aggregate classification (germline): Uncertain significance (1 of 4 stars; one submission).

Conditions:
Hereditary cancer-predisposing syndrome. Also called: Hereditary Cancer Syndrome; Tumor predisposition; Hereditary neoplastic syndrome; Neoplastic Syndromes, Hereditary. Identifiers: Orphanet 140162, MedGen C0027672, MeSH D009386, MONDO:0015356.

Submission:

Ambry Genetics
Classification: Uncertain significance for Hereditary cancer-predisposing syndrome. Last evaluated: 2024-09-02. Review status: criteria provided, single submitter. Criteria: Ambry Variant Classification Scheme 2023. Collection method: clinical testing. Allele origin: germline.
Comment: The p.V80L variant (also known as c.238G>T), located in coding exon 1 of the MEN1 gene, results from a G to T substitution at nucleotide position 238. The valine at codon 80 is replaced by leucine, an amino acid with highly similar properties. This amino acid position is conserved. In addition, the in silico prediction for this alteration is inconclusive. Based on the available evidence, the clinical significance of this variant remains unclear.